The following is an entry in ClinVar:

ClinVar aggregate classification (germline): Pathogenic (1 of 4 stars; one submission).

Submission:

Labcorp Genetics (formerly Invitae), Labcorp
Classification: Pathogenic. Last evaluated: 2023-03-07. Review status: criteria provided, single submitter. Criteria: Invitae Variant Classification Sherloc (09022015). Collection method: clinical testing. Allele origin: germline.
Comment: For these reasons, this variant has been classified as Pathogenic. This variant has not been reported in the literature in individuals affected with ERCC6-related conditions. This variant is not present in population databases (gnomAD no frequency). This sequence change creates a premature translational stop signal (p.Cys17Phefs*8) in the ERCC6 gene. It is expected to result in an absent or disrupted protein product. Loss-of-function variants in ERCC6 are known to be pathogenic (PMID: 18628313, 29572252).

Literature cited by the submitters: PubMed 18628313; PubMed 29572252.

NM_000124.4(ERCC6):c.50_51del (p.Cys17fs)

Gene: ERCC6 (ERCC excision repair 6, chromatin remodeling factor; minus strand). Cytogenetic location: 10q11.23.
Variant type: Deletion.
Coding change: c.50_51del on transcript NM_000124.4 (MANE Select); coding-DNA positions 50 to 51, 2 bases deleted (GT; older notation c.50_51delGT).
Protein change: p.Cys17fs; shifts the reading frame from cysteine 17.
Molecular consequence: frameshift variant.
Genome position (GRCh38, 1-based): chr10:49,532,914-49,532,915, AC deleted on the plus strand (GT on the coding strand, the reverse complement: ERCC6 is on the minus strand); deleting any 2 consecutive bases within chr10:49,532,914-49,532,916 gives the same sequence; the c. name uses the placement nearest the transcript's 3' end. VCF-style (leftmost placement, unchanged base first): chr10-49532913-AAC-A. GRCh37 (hg19) VCF-style: chr10-50740959-AAC-A.
Other names: c.50_51del, p.Cys17fs (NM_001277058.2, NM_001277059.2, NM_001346440.2); short protein forms C17fs.
Identifiers: ClinVar variation 2843304 (VCV002843304.3), dbSNP rs1837506844, ClinGen allele CA1908761250.